The following is an entry in ClinVar:

NM_014845.6(FIG4):c.1066G>A (p.Val356Met)

Gene: FIG4 (FIG4 phosphoinositide 5-phosphatase; plus strand). Cytogenetic location: 6q21.
Variant type: single nucleotide variant.
Coding change: c.1066G>A on transcript NM_014845.6 (MANE Select); coding-DNA position 1066, G replaced by A.
Protein change: p.Val356Met; replaces valine 356 with methionine.
Molecular consequence: missense variant.
Genome position (GRCh38, 1-based): chr6:109,743,701, G>A. VCF-style: chr6-109743701-G-A. GRCh37 (hg19) VCF-style: chr6-110064904-G-A.
Other names: short protein forms V356M.
Identifiers: ClinVar variation 1943053 (VCV001943053.5), dbSNP rs1314992466, ClinGen allele CA365222289.

ClinVar aggregate classification (germline): Uncertain significance (1 of 4 stars; one submission).

Conditions:
Charcot-Marie-Tooth disease type 4. Also called: Charcot-Marie-Tooth disease, type IV; Charcot-Marie-Tooth, Type 4. Identifiers: Orphanet 64749, MedGen C4082197, MONDO:0018995.

Allele frequency attached by ClinVar (database versions not stated): gnomAD exomes below 0.00001; TOPMed below 0.00001; gnomAD 0.00001.
gnomAD v4.1: 4 of 1,612,708 alleles (0.00025%); highest among the groups gnomAD compares: East Asian, 0.0067%; no homozygotes.

Submission:

Labcorp Genetics (formerly Invitae), Labcorp
Classification: Uncertain significance for Charcot-Marie-Tooth disease type 4. Last evaluated: 2022-06-03. Review status: criteria provided, single submitter. Criteria: Invitae Variant Classification Sherloc (09022015). Collection method: clinical testing. Allele origin: germline.
Comment: In summary, the available evidence is currently insufficient to determine the role of this variant in disease. Therefore, it has been classified as a Variant of Uncertain Significance. Algorithms developed to predict the effect of missense changes on protein structure and function (SIFT, PolyPhen-2, Align-GVGD) all suggest that this variant is likely to be tolerated. This variant has not been reported in the literature in individuals affected with FIG4-related conditions. This variant is present in population databases (no rsID available, gnomAD 0.006%). This sequence change replaces valine, which is neutral and non-polar, with methionine, which is neutral and non-polar, at codon 356 of the FIG4 protein (p.Val356Met).